The following is an entry in ClinVar:

NM_001040142.2(SCN2A):c.3395A>G (p.Lys1132Arg)

Gene: SCN2A (sodium voltage-gated channel alpha subunit 2; plus strand). Cytogenetic location: 2q24.3.
Variant type: single nucleotide variant.
Coding change: c.3395A>G on transcript NM_001040142.2 (MANE Select); coding-DNA position 3395, A replaced by G.
Protein change: p.Lys1132Arg; replaces lysine 1132 with arginine.
Molecular consequence: missense variant.
Genome position (GRCh38, 1-based): chr2:165,354,667, A>G. VCF-style: chr2-165354667-A-G. GRCh37 (hg19) VCF-style: chr2-166211177-A-G.
Other names: c.3395A>G, p.Lys1132Arg (NM_001040143.2, NM_001371246.1, NM_001371247.1 and 1 more transcripts); short protein forms K1132R.
Identifiers: ClinVar variation 4792834 (VCV004792834.1).

ClinVar aggregate classification (germline): Uncertain significance (1 of 4 stars; one submission).

Conditions:
Developmental and epileptic encephalopathy, 11 (DEE11). Also called: Early infantile epileptic encephalopathy 11. Identifiers: Orphanet 1934, MedGen C3150987, MONDO:0013388, OMIM 613721.
Seizures, benign familial infantile, 3 (BFIS3). Also called: CONVULSIONS, BENIGN FAMILIAL INFANTILE, 3; Familial neonatal seizures. Identifiers: Orphanet 140927, Orphanet 306, MedGen C1843140, MONDO:0011904, OMIM 607745.

Submission:

Labcorp Genetics (formerly Invitae), Labcorp
Classification: Uncertain significance for Seizures, benign familial infantile, 3; Developmental and epileptic encephalopathy, 11. Last evaluated: 2025-04-20. Review status: criteria provided, single submitter. Criteria: Invitae Variant Classification Sherloc (09022015). Collection method: clinical testing. Allele origin: germline.
Comment: This sequence change replaces lysine, which is basic and polar, with arginine, which is basic and polar, at codon 1132 of the SCN2A protein (p.Lys1132Arg). This variant is not present in population databases (gnomAD no frequency). This variant has not been reported in the literature in individuals affected with SCN2A-related conditions. Invitae Evidence Modeling of protein sequence and biophysical properties (such as structural, functional, and spatial information, amino acid conservation, physicochemical variation, residue mobility, and thermodynamic stability) has been performed for this missense variant. However, the output from this modeling did not meet the statistical confidence thresholds required to predict the impact of this variant on SCN2A protein function. In summary, the available evidence is currently insufficient to determine the role of this variant in disease. Therefore, it has been classified as a Variant of Uncertain Significance.